The following is an entry in ClinVar:

NM_001083614.2(EARS2):c.1277_1279dup (p.Thr426_Arg427insPro)

Gene: EARS2 (glutamyl-tRNA synthetase 2, mitochondrial; minus strand). Cytogenetic location: 16p12.2.
Variant type: Duplication.
Coding change: c.1277_1279dup on transcript NM_001083614.2 (MANE Select); coding-DNA positions 1277 to 1279, 3 bases duplicated (CTC; older notation c.1277_1279dupCTC).
Protein change: p.Thr426_Arg427insPro.
Molecular consequence: inframe insertion. On other transcripts: non-coding transcript variant (1).
Genome position (GRCh38, 1-based): chr16:23,529,575-23,529,577, GAG duplicated on the plus strand (CTC on the coding strand, the reverse complement: EARS2 is on the minus strand). VCF-style (leftmost placement, unchanged base first): chr16-23529574-C-CGAG. GRCh37 (hg19) VCF-style: chr16-23540895-C-CGAG.
Other names: c.1277_1279dup, p.Thr426_Arg427insPro (NM_001308211.1).
Identifiers: ClinVar variation 692301 (VCV000692301.7), dbSNP rs753414156, ClinGen allele CA7962360.
Genomic context (GRCh38, chr16:23,529,574, plus strand): 5'-TTGGCAATCACATCCACCTTCTCCGAGATGGCGTCCAGCTGTGCTCGACCTACTGCAGGG[C>CGAG]GAGTCCACAGGTAAGAGTATACTGGGGACACCAAGTCCTGCAGGCGGCAAATGTGACCCT-3'

ClinVar aggregate classification (germline): Conflicting classifications of pathogenicity. Review status: criteria provided, conflicting classifications (1 of 4 stars). 3 submissions from 3 submitters: Likely pathogenic (1); Uncertain significance (2). Last evaluated 2024-10-24.

Conditions:
Arthrogryposis multiplex congenita (AMC). Also called: Congenital multiple arthrogryposis; Fibrous ankylosis of multiple joints; Congenital arthromyodysplasia; Myodystrophia fetalis deformans; Otto syndrome; Rocher-Sheldon syndrome. Identifiers: Orphanet 1037, MedGen C5779613, MeSH D001176, MONDO:0015168, HP:0002804.
Fetal akinesia deformation sequence 1 (FADS1). Also called: Pena-Shokeir syndrome type I; Fetal akinesia sequence. Identifiers: Orphanet 994, MedGen C1276035, MONDO:0100101, OMIM 208150, HP:0001989.

Allele frequency attached by ClinVar (database versions not stated): ExAC 0.00002; gnomAD exomes 0.00002 and 0.00005; TOPMed 0.00003; gnomAD 0.00005; 1000 Genomes Project 30x 0.00016.

Submissions (3):

Labcorp Genetics (formerly Invitae), Labcorp
Classification: Uncertain significance. Last evaluated: 2024-10-24. Review status: criteria provided, single submitter. Criteria: Invitae Variant Classification Sherloc (09022015). Collection method: clinical testing. Allele origin: germline.
Comment: This variant, c.1277_1279dup, results in the insertion of 1 amino acid(s) of the EARS2 protein (p.Thr426_Arg427insPro), but otherwise preserves the integrity of the reading frame. This variant is present in population databases (rs753414156, gnomAD 0.006%). This variant has been observed in individual(s) with clinical features of EARS2-related conditions (PMID: 31680123). ClinVar contains an entry for this variant (Variation ID: 692301). In summary, the available evidence is currently insufficient to determine the role of this variant in disease. Therefore, it has been classified as a Variant of Uncertain Significance.

Blueprint Genetics
Classification: Uncertain significance. Last evaluated: 2024-05-21. Review status: criteria provided, single submitter. Criteria: ACMG Guidelines, 2015. Collection method: clinical testing. Allele origin: germline.

Cirak Lab, University Hospital Cologne
Classification: Likely pathogenic for Arthrogryposis multiplex congenita; Fetal akinesia sequence. Last evaluated: 2019-06-28. Review status: criteria provided, single submitter. Criteria: ACMG Guidelines, 2015. Collection method: research. Allele origin: unknown. Affected: yes. Observed: 1 variant allele.

Literature cited by the submitters: PubMed 31680123 (cited by Labcorp Genetics (formerly Invitae), Labcorp and Cirak Lab, University Hospital Cologne).